The following is an entry in ClinVar:

NM_012141.3(INTS6):c.1142T>G (p.Val381Gly)

Gene: INTS6 (integrator complex subunit 6; minus strand). Cytogenetic location: 13q14.3.
Variant type: single nucleotide variant.
Coding change: c.1142T>G on transcript NM_012141.3 (MANE Select); coding-DNA position 1142, T replaced by G.
Protein change: p.Val381Gly; replaces valine 381 with glycine.
Molecular consequence: missense variant.
Genome position (GRCh38, 1-based): chr13:51,383,367, A>C on the plus strand (T>G on the coding strand, the complement: INTS6 is on the minus strand). VCF-style: chr13-51383367-A-C. GRCh37 (hg19) VCF-style: chr13-51957503-A-C.
Other names: c.1103T>G, p.Val368Gly (NM_001039937.2); c.608T>G, p.Val203Gly (NM_001306091.2); short protein forms V203G, V368G, V381G.
Identifiers: ClinVar variation 2634125 (VCV002634125.1), dbSNP rs2541651214, ClinGen allele CA388220939.

ClinVar aggregate classification (germline): Uncertain significance (1 of 4 stars; one submission).

Conditions:
INTS6-related disorder. Also called: INTS6-related condition.

Submission:

PreventionGenetics, part of Exact Sciences
Classification: Uncertain significance for INTS6-related condition. Last evaluated: 2023-09-02. Review status: criteria provided, single submitter. Criteria: ACMG Guidelines, 2015. Collection method: clinical testing. Allele origin: germline.
Comment: The INTS6 c.1142T>G variant is predicted to result in the amino acid substitution p.Val381Gly. To our knowledge, this variant has not been reported in the literature or in a large population database, indicating this variant is rare. At this time, the clinical significance of this variant is uncertain due to the absence of conclusive functional and genetic evidence.